The following is an entry in ClinVar:

NM_198173.3(GRHL3):c.205-3C>A

Gene: GRHL3 (grainyhead like transcription factor 3; plus strand). Cytogenetic location: 1p36.11.
Variant type: single nucleotide variant.
Coding change: c.205-3C>A on transcript NM_198173.3 (MANE Select); 3 bases into the intron before coding-DNA position 205, C replaced by A.
Molecular consequence: intron variant.
Genome position (GRCh38, 1-based): chr1:24,334,642, C>A. VCF-style: chr1-24334642-C-A. GRCh37 (hg19) VCF-style: chr1-24661132-C-A.
Other names: c.205-3C>A (NM_198174.3); c.67-3C>A (NM_001195010.2); c.220-3C>A (NM_021180.4).
Identifiers: ClinVar variation 932032 (VCV000932032.12), dbSNP rs200425622, ClinGen allele CA689844.

ClinVar aggregate classification (germline): Conflicting classifications of pathogenicity. Review status: criteria provided, conflicting classifications (1 of 4 stars). 3 submissions from 3 submitters: Uncertain significance (1); Benign (1); Likely benign (1). Last evaluated 2024-09-16.

Conditions:
Van der Woude syndrome 2 (VWS2). Identifiers: Orphanet 888, MedGen C1847604, MONDO:0011712, OMIM 606713.

Allele frequency attached by ClinVar (database versions not stated): gnomAD 0.00030 and 0.00031; ESP Exome Variant Server 0.00038; TOPMed 0.00057.
gnomAD v4.1: 481 of 1,609,916 alleles (0.03%); highest among the groups gnomAD compares: Middle Eastern, 0.26%; no homozygotes.

Submissions (3):

Blueprint Genetics
Classification: Likely benign. Last evaluated: 2024-09-16. Review status: criteria provided, single submitter. Criteria: ACMG Guidelines, 2015. Collection method: clinical testing. Allele origin: germline.

Labcorp Genetics (formerly Invitae), Labcorp
Classification: Benign for Van der Woude syndrome 2. Last evaluated: 2024-02-05. Review status: criteria provided, single submitter. Criteria: Invitae Variant Classification Sherloc (09022015). Collection method: clinical testing. Allele origin: germline.

Centre for Mendelian Genomics, University Medical Centre Ljubljana
Classification: Uncertain significance for Van der Woude syndrome 2. Last evaluated: 2019-05-09. Review status: criteria provided, single submitter. Criteria: ACMG Guidelines, 2015. Collection method: clinical testing. Allele origin: unknown. Affected: yes.
Comment: This variant was classified as: Uncertain significance. The available evidence on this variant's pathogenicity is insufficient or conflicting. The following ACMG criteria were applied in classifying this variant: PP3.